The following is an entry in ClinVar:

NM_002878.4(RAD51D):c.33C>T (p.Gly11=)

Genes: RAD51L3-RFFL (RAD51L3-RFFL readthrough; minus strand), RAD51D (RAD51 paralog D; minus strand). Cytogenetic location: 17q12.
Variant type: single nucleotide variant.
Coding change: c.33C>T on transcript NM_002878.4 (MANE Select); coding-DNA position 33, C replaced by T.
Protein change: p.Gly11=; no amino-acid change (glycine 11 retained).
Molecular consequence: synonymous variant. On other transcripts: non-coding transcript variant (2).
Genome position (GRCh38, 1-based): chr17:35,119,581, G>A on the plus strand (C>T on the coding strand, the complement: RAD51D is on the minus strand). VCF-style: chr17-35119581-G-A. GRCh37 (hg19) VCF-style: chr17-33446600-G-A.
Other names: c.33C>T, p.Gly11= (NM_001142571.2, NM_133629.3).
Identifiers: ClinVar variation 231681 (VCV000231681.26), dbSNP rs760444811, ClinGen allele CA8499705.

ClinVar aggregate classification (germline): Benign/Likely benign. Review status: criteria provided, multiple submitters, no conflicts (2 of 4 stars). 8 submissions from 8 submitters: Benign (1); Likely benign (6). 1 of the submissions does not count toward it. Last evaluated 2026-01-02.

Conditions:
Hereditary cancer-predisposing syndrome. Also called: Neoplastic Syndromes, Hereditary; Tumor predisposition; Hereditary Cancer Syndrome; Hereditary neoplastic syndrome. Identifiers: Orphanet 140162, MedGen C0027672, MeSH D009386, MONDO:0015356.
Malignant tumor of breast. Also called: Malignant breast neoplasm; Cancer breast. Identifiers: MedGen C0006142, MONDO:0007254. Disease mechanism: loss of function.
Breast-ovarian cancer, familial, susceptibility to, 4. Identifiers: Orphanet 145, MedGen C3280345, MONDO:0013669, OMIM 614291.

Allele frequency attached by ClinVar (database versions not stated): TOPMed 0.00001.
gnomAD v4.1: 6 of 1,612,596 alleles (0.00037%); highest among the groups gnomAD compares: Non-Finnish European, 0.00051%; no homozygotes.

Submissions (8):

Labcorp Genetics (formerly Invitae), Labcorp
Classification: Likely benign for Breast-ovarian cancer, familial, susceptibility to, 4. Last evaluated: 2026-01-02. Review status: criteria provided, single submitter. Criteria: Invitae Variant Classification Sherloc (09022015). Collection method: clinical testing. Allele origin: germline.

Center for Genomic Medicine, Rigshospitalet, Copenhagen University Hospital
Classification: Likely benign. Last evaluated: 2025-03-04. Review status: criteria provided, single submitter. Criteria: ACMG Guidelines, 2015. Collection method: clinical testing. Allele origin: germline.

Myriad Genetics, Inc.
Classification: Benign for Breast-ovarian cancer, familial, susceptibility to, 4. Last evaluated: 2025-02-19. Review status: criteria provided, single submitter. Criteria: Myriad Autosomal Dominant, Autosomal Recessive and X-Linked Classification Criteria (2023). Collection method: clinical testing. Allele origin: unknown.
Comment: This variant is considered benign. This variant is a silent/synonymous amino acid change and it is not expected to impact splicing.

Sema4
Classification: Likely benign for Hereditary cancer-predisposing syndrome. Last evaluated: 2021-09-05. Review status: criteria provided, single submitter. Criteria: Sema4 Curation Guidelines. Collection method: curation. Allele origin: germline.

GeneDx
Classification: Likely benign. Last evaluated: 2019-07-26. Review status: criteria provided, single submitter. Criteria: GeneDx Variant Classification Process June 2021. Collection method: clinical testing. Allele origin: germline. Affected: yes.

Color Diagnostics, LLC DBA Color Health
Classification: Likely benign for Hereditary cancer-predisposing syndrome. Last evaluated: 2017-10-31. Review status: criteria provided, single submitter. Criteria: ACMG Guidelines, 2015. Collection method: clinical testing. Allele origin: germline.

Ambry Genetics
Classification: Likely benign for Hereditary cancer-predisposing syndrome. Last evaluated: 2015-05-03. Review status: criteria provided, single submitter. Criteria: Ambry Variant Classification Scheme 2023. Collection method: clinical testing. Allele origin: germline.

Department of Pathology and Laboratory Medicine, Sinai Health System
Classification: Uncertain significance for Malignant tumor of breast. Review status: no assertion criteria provided. Collection method: clinical testing. Allele origin: unknown. Affected: yes. Observed: 1 variant allele. Study: The Canadian Open Genetics Repository (COGR). Not counted in ClinVar's aggregate classification.
Comment: The RAD51D p.Gly11= variant was not identified in the literature. The variant was identified in dbSNP (ID: rs760444811) as "With Likely benign allele", ClinVar (classified as likely benign by Invitae and Ambry Genetics). The variant was identified in control databases in 3 of 242614 chromosomes at a frequency of 0.00001 (Genome Aggregation Database Feb 27, 2017). The variant was observed in the following populations: European in 3 of 109352 chromosomes (freq: 0.00003), while the variant was not observed in the African, Other, Latino, Ashkenazi Jewish, East Asian, Finnish, and South Asian populations. The c.33C>T variant is not expected to have clinical significance because it does not result in a change of amino acid and is not located in a known consensus splice site. The variant occurs outside of the splicing consensus sequence and 2 of 4 in silico or computational prediction software programs (SpliceSiteFinder, MaxEntScan, NNSPLICE, GeneSplicer) predict a greater than 10% difference in splicing, one predicting a the gain of a 5â€šÃ„Ã´ splicing site and one predicting the gain of a 3â€šÃ„Ã´ splice site; this is not very predictive of pathogenicity. In summary, based on the above information the clinical significance of this variant cannot be determined with certainty at this time. This variant is classified as a variant of uncertain significance.